The following is an entry in ClinVar:

ClinVar aggregate classification (germline): Uncertain significance. Review status: criteria provided, multiple submitters, no conflicts (2 of 4 stars). 4 submissions from 4 submitters: Uncertain significance (4). Last evaluated 2024-07-15.

Conditions:
Familial thoracic aortic aneurysm and aortic dissection (TAAD). Also called: Thoracic aortic aneurysms and dissections. Identifiers: Orphanet 91387, MedGen C4707243, MONDO:0019625.
Marfan syndrome (MFS). Also called: FBN1-Related Marfan Syndrome; Marfan's syndrome; MARFAN SYNDROME, TYPE I; Marfan syndrome type 1; Marfan syndrome, classic. Identifiers: Orphanet 284963, Orphanet 558, MedGen C0024796, MONDO:0007947, OMIM 154700.

Submissions (4):

Women's Health and Genetics/Laboratory Corporation of America, LabCorp
Classification: Uncertain significance. Last evaluated: 2024-07-15. Review status: criteria provided, single submitter. Criteria: LabCorp Variant Classification Summary - May 2015. Collection method: clinical testing. Allele origin: germline.
Comment: Variant summary: FBN1 c.1288C>A (p.Pro430Thr) results in a non-conservative amino acid change in the encoded protein sequence. Four of five in-silico tools predict a benign effect of the variant on protein function. The variant was absent in 251276 control chromosomes. The available data on variant occurrences in the general population are insufficient to allow any conclusion about variant significance. To our knowledge, no occurrence of c.1288C>A in individuals affected with Aortopathy or other FBN1-related conditions and no experimental evidence demonstrating its impact on protein function have been reported. ClinVar contains an entry for this variant (Variation ID: 854683). Based on the evidence outlined above, the variant was classified as uncertain significance.

Labcorp Genetics (formerly Invitae), Labcorp
Classification: Uncertain significance for Marfan syndrome; Familial thoracic aortic aneurysm and aortic dissection. Last evaluated: 2024-03-06. Review status: criteria provided, single submitter. Criteria: Invitae Variant Classification Sherloc (09022015). Collection method: clinical testing. Allele origin: germline.
Comment: This sequence change replaces proline, which is neutral and non-polar, with threonine, which is neutral and polar, at codon 430 of the FBN1 protein (p.Pro430Thr). This variant is not present in population databases (gnomAD no frequency). This variant has not been reported in the literature in individuals affected with FBN1-related conditions. ClinVar contains an entry for this variant (Variation ID: 854683). Advanced modeling of protein sequence and biophysical properties (such as structural, functional, and spatial information, amino acid conservation, physicochemical variation, residue mobility, and thermodynamic stability) performed at Invitae indicates that this missense variant is not expected to disrupt FBN1 protein function with a negative predictive value of 95%. In summary, the available evidence is currently insufficient to determine the role of this variant in disease. Therefore, it has been classified as a Variant of Uncertain Significance.

GeneDx
Classification: Uncertain significance. Last evaluated: 2024-02-22. Review status: criteria provided, single submitter. Criteria: GeneDx Variant Classification Process June 2021. Collection method: clinical testing. Allele origin: germline. Affected: yes.
Comment: Has not been previously published as pathogenic or benign to our knowledge; Not observed at significant frequency in large population cohorts (gnomAD); In silico analysis supports that this missense variant does not alter protein structure/function; Does not affect a cysteine residue within a calcium-binding EGF-like domain or a TGF-binding protein domain of the FBN1 gene; cysteine substitutions in the calcium-binding EGF-like domains represent the majority of pathogenic missense changes associated with FBN1-related disorders (PMID: 12938084); This variant is associated with the following publications: (PMID: 12938084)

Ambry Genetics
Classification: Uncertain significance for Familial thoracic aortic aneurysm and aortic dissection. Last evaluated: 2023-05-19. Review status: criteria provided, single submitter. Criteria: Ambry Variant Classification Scheme 2023. Collection method: clinical testing. Allele origin: germline.
Comment: The p.P430T variant (also known as c.1288C>A), located in coding exon 10 of the FBN1 gene, results from a C to A substitution at nucleotide position 1288. The proline at codon 430 is replaced by threonine, an amino acid with highly similar properties. This amino acid position is highly conserved in available vertebrate species. In addition, this alteration is predicted to be tolerated by in silico analysis. Since supporting evidence is limited at this time, the clinical significance of this alteration remains unclear.

NM_000138.5(FBN1):c.1288C>A (p.Pro430Thr)

Gene: FBN1 (fibrillin 1; minus strand). Cytogenetic location: 15q21.1.
Variant type: single nucleotide variant.
Coding change: c.1288C>A on transcript NM_000138.5 (MANE Select); coding-DNA position 1288, C replaced by A.
Protein change: p.Pro430Thr; replaces proline 430 with threonine.
Molecular consequence: missense variant.
Genome position (GRCh38, 1-based): chr15:48,516,222, G>T on the plus strand (C>A on the coding strand, the complement: FBN1 is on the minus strand). VCF-style: chr15-48516222-G-T. GRCh37 (hg19) VCF-style: chr15-48808419-G-T.
Other names: short protein forms P430T.
Identifiers: ClinVar variation 854683 (VCV000854683.13), dbSNP rs2043799392, ClinGen allele CA392345453.